The following is an entry in ClinVar:

ClinVar aggregate classification (germline): Conflicting classifications of pathogenicity. Review status: criteria provided, conflicting classifications (1 of 4 stars). 5 submissions from 5 submitters: Uncertain significance (4); Benign (1). Last evaluated 2025-10-20.

Conditions:
Hereditary breast ovarian cancer syndrome. Also called: Hereditary breast and ovarian cancer; Hereditary breast and/or ovarian cancer syndrome; BRCA1- and BRCA2-Associated Hereditary Breast and Ovarian Cancer; Hereditary breast and ovarian cancer syndrome; Hereditary breast and ovarian cancer syndrome (HBOC); Breast and ovarian cancer. Identifiers: Orphanet 145, MedGen C0677776, MeSH D061325, MONDO:0003582. Disease mechanism: loss of function.
BRCA2-related cancer predisposition. Identifiers: MedGen CN377758, MONDO:0700269.
Hereditary cancer-predisposing syndrome. Also called: Tumor predisposition; Hereditary Cancer Syndrome; Hereditary neoplastic syndrome; Neoplastic Syndromes, Hereditary. Identifiers: Orphanet 140162, MedGen C0027672, MeSH D009386, MONDO:0015356.

Allele frequency attached by ClinVar (database versions not stated): TOPMed below 0.00001.

Submissions (5):

Labcorp Genetics (formerly Invitae), Labcorp
Classification: Uncertain significance for Hereditary breast ovarian cancer syndrome. Last evaluated: 2025-10-20. Review status: criteria provided, single submitter. Criteria: Invitae Variant Classification Sherloc (09022015). Collection method: clinical testing. Allele origin: germline.
Comment: This sequence change replaces alanine, which is neutral and non-polar, with glycine, which is neutral and non-polar, at codon 3012 of the BRCA2 protein (p.Ala3012Gly). This variant is not present in population databases (gnomAD no frequency). This variant has not been reported in the literature in individuals affected with BRCA2-related conditions. ClinVar contains an entry for this variant (Variation ID: 409449). Invitae Evidence Modeling of protein sequence and biophysical properties (such as structural, functional, and spatial information, amino acid conservation, physicochemical variation, residue mobility, and thermodynamic stability) indicates that this missense variant is not expected to disrupt BRCA2 protein function with a negative predictive value of 95%. In summary, the available evidence is currently insufficient to determine the role of this variant in disease. Therefore, it has been classified as a Variant of Uncertain Significance.

Ambry Genetics
Classification: Benign for Hereditary cancer-predisposing syndrome. Last evaluated: 2025-05-23. Review status: criteria provided, single submitter. Criteria: Ambry Variant Classification Scheme 2023. Collection method: clinical testing. Allele origin: germline.

Quest Diagnostics Nichols Institute San Juan Capistrano
Classification: Uncertain significance. Last evaluated: 2024-08-21. Review status: criteria provided, single submitter. Criteria: Quest Diagnostics criteria. Collection method: clinical testing. Allele origin: unknown.
Comment: The BRCA2 c.9035C>G (p.Ala3012Gly) variant has not been reported in individuals with BRCA2-related conditions in the published literature. It also has not been reported in large, multi-ethnic general populations (Genome Aggregation Database). Analysis of this variant using bioinformatics tools for the prediction of the effect of amino acid changes on protein structure and function yielded predictions that this variant is benign. Based on the available information, we are unable to determine the clinical significance of this variant.

All of Us Research Program, National Institutes of Health
Classification: Uncertain significance for BRCA2-related cancer predisposition. Last evaluated: 2024-03-28. Review status: criteria provided, single submitter. Criteria: ACMG Guidelines, 2015. Collection method: clinical testing. Allele origin: germline. Inheritance: Autosomal dominant inheritance. Observed: 2 variant alleles, 2 heterozygotes.
Comment: This missense variant replaces alanine with glycine at codon 3012 of the BRCA2 protein. Computational prediction suggests that this variant may not impact protein structure and function (internally defined REVEL score threshold <= 0.5, PMID: 27666373). To our knowledge, functional studies have not been reported for this variant. This variant has not been reported in individuals affected with BRCA2-related disorders in the literature. This variant has not been identified in the general population by the Genome Aggregation Database (gnomAD). The available evidence is insufficient to determine the role of this variant in disease conclusively. Therefore, this variant is classified as a Variant of Uncertain Significance.

This study involves interpretation of variants in research participants for the purpose of population health screening. Participant phenotype was not available at the time of variant classification. Additional details can be found in publication PMID: 35346344, PMCID: PMC8962531

Women's Health and Genetics/Laboratory Corporation of America, LabCorp
Classification: Uncertain significance. Last evaluated: 2017-02-06. Review status: criteria provided, single submitter. Criteria: LabCorp Variant Classification Summary - May 2015. Collection method: clinical testing. Allele origin: germline.
Comment: Variant summary: The BRCA2 c.9035C>G (p.Ala3012Gly) variant involves the alteration of a conserved nucleotide and is predicted to be benign by 2/4 in silico tools (SNPs&GO not captured due to low reliability index). This variant is absent in 120524 control chromosomes from ExAC. The variant of interest has not, to our knowledge, been reported in affected individuals as a germline variant via publications and/or reputable databases/clinical diagnostic laboratories, nor evaluated for functional impact by in vivo/vitro studies. Because of the absence of clinical information and the lack of functional studies, the variant is classified as a variant of uncertain significance (VUS) until additional information becomes available.

Literature cited by the submitters: PubMed 25256751 (cited by Women's Health and Genetics/Laboratory Corporation of America, LabCorp).

NM_000059.4(BRCA2):c.9035C>G (p.Ala3012Gly)

Gene: BRCA2 (BRCA2 DNA repair associated; plus strand). Cytogenetic location: 13q13.1.
Variant type: single nucleotide variant.
Coding change: c.9035C>G on transcript NM_000059.4 (MANE Select); coding-DNA position 9035, C replaced by G.
Protein change: p.Ala3012Gly; replaces alanine 3012 with glycine.
Molecular consequence: missense variant.
Genome position (GRCh38, 1-based): chr13:32,379,831, C>G. VCF-style: chr13-32379831-C-G. GRCh37 (hg19) VCF-style: chr13-32953968-C-G.
Other names: short protein forms A3012G.
Identifiers: ClinVar variation 409449 (VCV000409449.14), dbSNP rs768335521, ClinGen allele CA16614386.
Genomic context (GRCh38, chr13:32,379,831, plus strand): 5'-CATCATCAGATTTATATTCTCTGTTAACAGAAGGAAAGAGATACAGAATTTATCATCTTG[C>G]AACTTCAAAATCTAAAAGTAAATCTGAAAGAGCTAACATACAGTTAGCAGCGACAAAAAA-3'
Protein context (NP_000050.3, residues 3002-3022): EGKRYRIYHL[Ala3012Gly]TSKSKSKSER